The following is an entry in ClinVar:

NM_002087.4(GRN):c.490T>C (p.Cys164Arg)

Gene: GRN (granulin precursor; plus strand). Cytogenetic location: 17q21.31.
Variant type: single nucleotide variant.
Coding change: c.490T>C on transcript NM_002087.4 (MANE Select); coding-DNA position 490, T replaced by C.
Protein change: p.Cys164Arg; replaces cysteine 164 with arginine.
Molecular consequence: missense variant.
Genome position (GRCh38, 1-based): chr17:44,350,469, T>C. VCF-style: chr17-44350469-T-C. GRCh37 (hg19) VCF-style: chr17-42427837-T-C.
Other names: short protein forms C164R.
Identifiers: ClinVar variation 4790578 (VCV004790578.1).
Genomic context (GRCh38, chr17:44,350,469, plus strand): 5'-GGTGAAGACGGAGTCAGGACCATTTTTTCTCAGGCTTCCTGCTGTGAAGACAGGGTGCAC[T>C]GCTGTCCGCACGGTGCCTTCTGCGACCTGGTTCACACCCGCTGCATCACACCCACGGGCA-3'
Protein context (NP_002078.1, residues 154-174): QASCCEDRVH[Cys164Arg]CPHGAFCDLV

ClinVar aggregate classification (germline): Uncertain significance (1 of 4 stars; one submission).

Conditions:
Neuronal ceroid lipofuscinosis 11. Also called: GRN-Related Neuronal Ceroid-Lipofuscinosis. Identifiers: Orphanet 314629, Orphanet 79262, MedGen C3539123, MONDO:0013866, OMIM 614706.
GRN-related frontotemporal lobar degeneration with Tdp43 inclusions (FTD2). Also called: DEMENTIA, HEREDITARY DYSPHASIC DISINHIBITION; FRONTOTEMPORAL LOBAR DEGENERATION WITH UBIQUITIN-POSITIVE INCLUSIONS; FTLD-TDP, GRN-RELATED; FRONTOTEMPORAL DEMENTIA WITH TDP43 INCLUSIONS, GRN-RELATED; GRN Frontotemporal Dementia. Identifiers: Orphanet 100070, Orphanet 282, MedGen C1843792, MONDO:0011842, OMIM 607485. Disease mechanism: loss of function.

gnomAD v4.1: 1 of 1,613,718 alleles (0.000062%); highest among the groups gnomAD compares: East Asian, 0.0022%; no homozygotes.

Submission:

Labcorp Genetics (formerly Invitae), Labcorp
Classification: Uncertain significance for Neuronal ceroid lipofuscinosis 11; GRN-related frontotemporal lobar degeneration with Tdp43 inclusions. Last evaluated: 2025-05-13. Review status: criteria provided, single submitter. Criteria: Invitae Variant Classification Sherloc (09022015). Collection method: clinical testing. Allele origin: germline.
Comment: This sequence change replaces cysteine, which is neutral and slightly polar, with arginine, which is basic and polar, at codon 164 of the GRN protein (p.Cys164Arg). This variant is not present in population databases (gnomAD no frequency). This variant has not been reported in the literature in individuals affected with GRN-related conditions. Invitae Evidence Modeling of protein sequence and biophysical properties (such as structural, functional, and spatial information, amino acid conservation, physicochemical variation, residue mobility, and thermodynamic stability) indicates that this missense variant is expected to disrupt GRN protein function with a positive predictive value of 80%. In summary, the available evidence is currently insufficient to determine the role of this variant in disease. Therefore, it has been classified as a Variant of Uncertain Significance.